The following is an entry in ClinVar:

ClinVar aggregate classification (germline): Uncertain significance (1 of 4 stars; one submission).

Conditions:
Oto-palato-digital syndrome, type II (OPD2). Also called: FACIOPALATOOSSEOUS SYNDROME; OPD II SYNDROME; Otopalatodigital Syndrome, Type II; Otopalatodigital Syndrome Type 2 (FLNA-OPD2). Identifiers: Orphanet 669, Orphanet 90652, MedGen C1844696, MONDO:0010571, OMIM 304120.
Heterotopia, periventricular, X-linked dominant (PVNH1). Also called: PERIVENTRICULAR NODULAR HETEROTOPIA 1; X-linked periventricular heterotopia; PERIVENTRICULAR NODULAR HETEROTOPIA 4; HETEROTOPIA, PERIVENTRICULAR, 1. Identifiers: Orphanet 2149, Orphanet 82004, MedGen C1848213, MONDO:0010233, OMIM 300049.
Frontometaphyseal dysplasia (FMD1). Identifiers: Orphanet 1826, MedGen C0265293, MONDO:0015942.
Melnick-Needles syndrome (MNS). Also called: MELNICK-NEEDLES OSTEODYSPLASTY; OSTEODYSPLASTY OF MELNICK AND NEEDLES; Melnick-Needles Syndrome (FLNA-MNS). Identifiers: Orphanet 2484, MedGen C0025237, MONDO:0010650, OMIM 309350.

Submission:

Labcorp Genetics (formerly Invitae), Labcorp
Classification: Uncertain significance for Oto-palato-digital syndrome, type II; Heterotopia, periventricular, X-linked dominant; Frontometaphyseal dysplasia; Melnick-Needles syndrome. Last evaluated: 2023-10-05. Review status: criteria provided, single submitter. Criteria: Invitae Variant Classification Sherloc (09022015). Collection method: clinical testing. Allele origin: germline.
Comment: This sequence change replaces serine, which is neutral and polar, with glycine, which is neutral and non-polar, at codon 1459 of the FLNA protein (p.Ser1459Gly). This variant is not present in population databases (gnomAD no frequency). This variant has not been reported in the literature in individuals affected with FLNA-related conditions. Advanced modeling of protein sequence and biophysical properties (such as structural, functional, and spatial information, amino acid conservation, physicochemical variation, residue mobility, and thermodynamic stability) performed at Invitae indicates that this missense variant is not expected to disrupt FLNA protein function. In summary, the available evidence is currently insufficient to determine the role of this variant in disease. Therefore, it has been classified as a Variant of Uncertain Significance.

NM_001110556.2(FLNA):c.4375A>G (p.Ser1459Gly)

Gene: FLNA (filamin A; minus strand). Cytogenetic location: Xq28.
Variant type: single nucleotide variant.
Coding change: c.4375A>G on transcript NM_001110556.2 (MANE Select); coding-DNA position 4375, A replaced by G.
Protein change: p.Ser1459Gly; replaces serine 1459 with glycine.
Molecular consequence: missense variant.
Genome position (GRCh38, 1-based): chrX:154,359,083, T>C on the plus strand (A>G on the coding strand, the complement: FLNA is on the minus strand). VCF-style: chrX-154359083-T-C. GRCh37 (hg19) VCF-style: chrX-153587451-T-C.
Other names: c.4375A>G, p.Ser1459Gly (NM_001456.4); short protein forms S1459G.
Identifiers: ClinVar variation 2938250 (VCV002938250.3), dbSNP rs2522737366, ClinGen allele CA415216894.
Genomic context (GRCh38, chrX:154,359,083, plus strand): 5'-CAGCCTTGCTTGTGTCCACCTGGAAGGACTGAGGGAGGTTGGCACGAACCATGCCTGGGC[T>C]CAGGCCGGGCCCAGAGCACTTGACCTTGGACGCATCTGTCACATCATGCACAGGGACCTT-3'
Protein context (NP_001104026.1, residues 1449-1469): SKVKCSGPGL[Ser1459Gly]PGMVRANLPQ